The following is an entry in ClinVar:

ClinVar aggregate classification (germline): Uncertain significance (1 of 4 stars; one submission).

Allele frequency attached by ClinVar (database versions not stated): gnomAD exomes below 0.00001; TOPMed below 0.00001; gnomAD 0.00001.
gnomAD v4.1: 4 of 1,613,746 alleles (0.00025%); highest among the groups gnomAD compares: African/African-American, 0.0013%; no homozygotes.

Submission:

Labcorp Genetics (formerly Invitae), Labcorp
Classification: Uncertain significance. Last evaluated: 2022-04-04. Review status: criteria provided, single submitter. Criteria: Invitae Variant Classification Sherloc (09022015). Collection method: clinical testing. Allele origin: germline.
Comment: This sequence change replaces leucine, which is neutral and non-polar, with phenylalanine, which is neutral and non-polar, at codon 480 of the DMXL2 protein (p.Leu480Phe). In summary, the available evidence is currently insufficient to determine the role of this variant in disease. Therefore, it has been classified as a Variant of Uncertain Significance. Algorithms developed to predict the effect of missense changes on protein structure and function (SIFT, PolyPhen-2, Align-GVGD) all suggest that this variant is likely to be tolerated. This variant has not been reported in the literature in individuals affected with DMXL2-related conditions. This variant is not present in population databases (gnomAD no frequency).

NM_001378457.1(DMXL2):c.1438C>T (p.Leu480Phe)

Gene: DMXL2 (Dmx like 2; minus strand). Cytogenetic location: 15q21.2.
Variant type: single nucleotide variant.
Coding change: c.1438C>T on transcript NM_001378457.1 (MANE Select); coding-DNA position 1438, C replaced by T.
Protein change: p.Leu480Phe; replaces leucine 480 with phenylalanine.
Molecular consequence: missense variant. On other transcripts: non-coding transcript variant (2).
Genome position (GRCh38, 1-based): chr15:51,537,667, G>A on the plus strand (C>T on the coding strand, the complement: DMXL2 is on the minus strand). VCF-style: chr15-51537667-G-A. GRCh37 (hg19) VCF-style: chr15-51829864-G-A.
Other names: c.1438C>T, p.Leu480Phe (NM_001174116.3, NM_001174117.3, NM_001378458.1 and 6 more transcripts); c.1198C>T, p.Leu400Phe (NM_001378464.1); short protein forms L400F, L480F.
Identifiers: ClinVar variation 1977106 (VCV001977106.5), dbSNP rs933346723, ClinGen allele CA270608730.
Genomic context (GRCh38, chr15:51,537,667, plus strand): 5'-TTAGCAGCGTTTCAATCTTCCGATCAAGCAGAACCGTAGGCAGTGGCATTGGTACACTAA[G>A]TCGTGAGTAAGTTCTAGGACTTCCTTCTCTTTCTCCATCTTCATGTTCTGATGATCCTGT-3'
Protein context (NP_001365386.1, residues 470-490): REGSPRTYSR[Leu480Phe]SVPMPLPTVL